The following is an entry in ClinVar:

ClinVar aggregate classification (germline): Uncertain significance (1 of 4 stars; one submission).

Conditions:
PMM2-congenital disorder of glycosylation. Also called: Congenital disorder of glycosylation, type Ia; PHOSPHOMANNOMUTASE 2 DEFICIENCY; CARBOHYDRATE-DEFICIENT GLYCOPROTEIN SYNDROME, TYPE Ia; CDG Ia; JAEKEN SYNDROME; PMM2-CDG. Identifiers: Orphanet 79318, MedGen C0349653, MONDO:0008907, OMIM 212065.

Submission:

Myriad Genetics, Inc.
Classification: Uncertain significance for PMM2-congenital disorder of glycosylation. Last evaluated: 2026-06-05. Review status: criteria provided, single submitter. Criteria: Myriad Autosomal Dominant, Autosomal Recessive and X-Linked Classification Criteria (2023). Collection method: clinical testing. Allele origin: unknown.
Comment: NM_000303.2(PMM2):c.562G>C(D188H) is a missense variant classified as a variant of uncertain significance in the context of congenital disorder of glycosylation, PMM2-related. D188H has not been observed in cases with relevant disease. Relevant functional assessments of this variant are not available in the literature. D188H has not been observed in referenced population frequency databases. In summary, there is insufficient evidence to classify NM_000303.2(PMM2):c.562G>C(D188H) as pathogenic or benign. Please note: this variant was assessed in the context of healthy population screening.

NM_000303.3(PMM2):c.562G>C (p.Asp188His)

Gene: PMM2 (phosphomannomutase 2; plus strand). Cytogenetic location: 16p13.2.
Variant type: single nucleotide variant.
Coding change: c.562G>C on transcript NM_000303.3 (MANE Select); coding-DNA position 562, G replaced by C.
Protein change: p.Asp188His; replaces aspartic acid 188 with histidine.
Molecular consequence: missense variant.
Genome position (GRCh38, 1-based): chr16:8,813,029, G>C. VCF-style: chr16-8813029-G-C. GRCh37 (hg19) VCF-style: chr16-8906886-G-C.
Other names: short protein forms D188H.
Identifiers: ClinVar variation 5003864 (VCV005003864.1).